The following is an entry in ClinVar:

ClinVar aggregate classification (germline): Conflicting classifications of pathogenicity. Review status: criteria provided, conflicting classifications (1 of 4 stars). 3 submissions from 3 submitters: Likely pathogenic (2); Uncertain significance (1). Last evaluated 2026-01-05.

Conditions:
Retinitis pigmentosa 37 (RP37). Identifiers: Orphanet 791, MedGen C1970163, MONDO:0012625, OMIM 611131.
Enhanced S-cone syndrome (ESCS). Identifiers: Orphanet 53540, MedGen C1849394, MONDO:0100288, MONDO:0009989.
NR2E3-related disorder. Also called: NR2E3-related disorders; NR2E3-related condition. Identifiers: MedGen CN239387.

Allele frequency attached by ClinVar (database versions not stated): TOPMed 0.00001; gnomAD 0.00003; ExAC below 0.00001; gnomAD exomes 0.00003.
gnomAD v4.1: 48 of 1,564,580 alleles (0.0031%); highest among the groups gnomAD compares: Non-Finnish European, 0.0039%; no homozygotes.

Submissions (3):

Labcorp Genetics (formerly Invitae), Labcorp
Classification: Likely pathogenic. Last evaluated: 2026-01-05. Review status: criteria provided, single submitter. Criteria: Invitae Variant Classification Sherloc (09022015). Collection method: clinical testing. Allele origin: germline.
Comment: This sequence change replaces arginine, which is basic and polar, with cysteine, which is neutral and slightly polar, at codon 48 of the NR2E3 protein (p.Arg48Cys). This variant is not present in population databases (gnomAD no frequency). This missense change has been observed in individual(s) with clinical features of autosomal recessive enhanced S-cone syndrome (PMID: 23374571; internal data). In at least one individual the data is consistent with being in trans (on the opposite chromosome) from a pathogenic variant. ClinVar contains an entry for this variant (Variation ID: 1001884). Invitae Evidence Modeling of protein sequence and biophysical properties (such as structural, functional, and spatial information, amino acid conservation, physicochemical variation, residue mobility, and thermodynamic stability) indicates that this missense variant is not expected to disrupt NR2E3 protein function with a negative predictive value of 80%. In summary, the currently available evidence indicates that the variant is pathogenic, but additional data are needed to prove that conclusively. Therefore, this variant has been classified as Likely Pathogenic.

Fulgent Genetics
Classification: Uncertain significance for ENHANCED S-CONE SYNDROME 1; Retinitis pigmentosa 37. Last evaluated: 2022-05-03. Review status: criteria provided, single submitter. Criteria: ACMG Guidelines, 2015. Collection method: clinical testing. Allele origin: unknown.

Blueprint Genetics
Classification: Likely pathogenic for NR2E3-related disorders. Last evaluated: 2021-05-07. Review status: criteria provided, single submitter. Criteria: ACMG Guidelines, 2015. Collection method: clinical testing. Allele origin: germline. Affected: yes. Observed: 2 variant alleles.

Literature cited by the submitters: PubMed 23374571 (cited by Labcorp Genetics (formerly Invitae), Labcorp).

NM_014249.4(NR2E3):c.142C>T (p.Arg48Cys)

Gene: NR2E3 (nuclear receptor subfamily 2 group E member 3; plus strand). Cytogenetic location: 15q23.
Variant type: single nucleotide variant.
Coding change: c.142C>T on transcript NM_014249.4 (MANE Select); coding-DNA position 142, C replaced by T.
Protein change: p.Arg48Cys; replaces arginine 48 with cysteine.
Molecular consequence: missense variant.
Genome position (GRCh38, 1-based): chr15:71,811,506, C>T. VCF-style: chr15-71811506-C-T. GRCh37 (hg19) VCF-style: chr15-72103846-C-T.
Other names: c.142C>T, p.Arg48Cys (NM_016346.4); short protein forms R48C.
Identifiers: ClinVar variation 1001884 (VCV001001884.9), dbSNP rs763706390, ClinGen allele CA7640223.